The following is an entry in ClinVar:

NM_004333.6(BRAF):c.502G>A (p.Val168Met)

Gene: BRAF (B-Raf proto-oncogene, serine/threonine kinase; minus strand). Cytogenetic location: 7q34.
Variant type: single nucleotide variant.
Coding change: c.502G>A on transcript NM_004333.6 (MANE Select); coding-DNA position 502, G replaced by A.
Protein change: p.Val168Met; replaces valine 168 with methionine.
Molecular consequence: missense variant. On other transcripts: intron variant (1).
Genome position (GRCh38, 1-based): chr7:140,834,611, C>T on the plus strand (G>A on the coding strand, the complement: BRAF is on the minus strand). VCF-style: chr7-140834611-C-T. GRCh37 (hg19) VCF-style: chr7-140534411-C-T.
Other names: c.502G>A, p.Val168Met (NM_001354609.2, NM_001374244.1, NM_001374258.1 and 5 more transcripts); c.400G>A, p.Val134Met (NM_001378470.1); c.346G>A, p.Val116Met (NM_001378472.1, NM_001378473.1); c.240+15500G>A (NM_001378475.1); short protein forms V116M, V134M, V168M.
Identifiers: ClinVar variation 4706830 (VCV004706830.1).

ClinVar aggregate classification (germline): Uncertain significance (1 of 4 stars; one submission).

Conditions:
RASopathy. Also called: rasopathies; Noonan spectrum disorder. Identifiers: Orphanet 536391, MedGen C5555857, MONDO:0021060.

Submission:

Labcorp Genetics (formerly Invitae), Labcorp
Classification: Uncertain significance for RASopathy. Last evaluated: 2025-07-09. Review status: criteria provided, single submitter. Criteria: Invitae Variant Classification Sherloc (09022015). Collection method: clinical testing. Allele origin: germline.
Comment: This sequence change replaces valine, which is neutral and non-polar, with methionine, which is neutral and non-polar, at codon 168 of the BRAF protein (p.Val168Met). This variant is not present in population databases (gnomAD no frequency). This variant has not been reported in the literature in individuals affected with BRAF-related conditions. An algorithm developed to predict the effect of missense changes on protein structure and function (PolyPhen-2) suggests that this variant is likely to be disruptive. In summary, the available evidence is currently insufficient to determine the role of this variant in disease. Therefore, it has been classified as a Variant of Uncertain Significance.